The following is an entry in ClinVar:

ClinVar aggregate classification (germline): Uncertain significance (1 of 4 stars; one submission).

Allele frequency attached by ClinVar (database versions not stated): TOPMed below 0.00001; gnomAD 0.00001.
gnomAD v4.1: 1 of 1,613,292 alleles (0.000062%); highest among the groups gnomAD compares: African/African-American, 0.0013%; no homozygotes.

Submission:

Women's Health and Genetics/Laboratory Corporation of America, LabCorp
Classification: Uncertain significance. Last evaluated: 2021-05-17. Review status: criteria provided, single submitter. Criteria: LabCorp Variant Classification Summary - May 2015. Collection method: clinical testing. Allele origin: germline.
Comment: Variant summary: TTN c.17792G>C (p.Arg5931Thr) results in a non-conservative amino acid change located in the I-band domain of the encoded protein sequence. Three of five in-silico tools predict a benign effect of the variant on protein function. The variant was absent in 248276 control chromosomes (gnomAD). The available data on variant occurrences in the general population are insufficient to allow any conclusion about variant significance. To our knowledge, no occurrence of c.17792G>C in individuals affected with Dilated Cardiomyopathy and no experimental evidence demonstrating its impact on protein function have been reported. One co-occurrence with another pathogenic variant has been reported internally (MYBPC3 c.3330+5G>C), providing supporting evidence for a benign role. No clinical diagnostic laboratories have submitted clinical-significance assessments for this variant to ClinVar after 2014. Based on the evidence outlined above, the variant was classified as uncertain significance.

NM_001267550.2(TTN):c.21524G>C (p.Arg7175Thr)

Gene: TTN (titin; minus strand). Cytogenetic location: 2q31.2.
Variant type: single nucleotide variant.
Coding change: c.21524G>C on transcript NM_001267550.2 (MANE Select); coding-DNA position 21524, G replaced by C.
Protein change: p.Arg7175Thr; replaces arginine 7175 with threonine.
Molecular consequence: missense variant. On other transcripts: intron variant (3).
Genome position (GRCh38, 1-based): chr2:178,723,576, C>G on the plus strand (G>C on the coding strand, the complement: TTN is on the minus strand). VCF-style: chr2-178723576-C-G. GRCh37 (hg19) VCF-style: chr2-179588303-C-G.
Other names: c.20573G>C, p.Arg6858Thr (NM_001256850.1); c.17792G>C, p.Arg5931Thr (NM_133378.4); c.13282+14506G>C (NM_003319.4); c.13858+14506G>C (NM_133437.4); c.13657+14506G>C (NM_133432.3); short protein forms R5931T, R6858T, R7175T.
Identifiers: ClinVar variation 1098775 (VCV001098775.1), dbSNP rs1578045796, ClinGen allele CA349534138.